The following is an entry in ClinVar:

NM_001356.5(DDX3X):c.45+9C>G

Gene: DDX3X (DEAD-box helicase 3 X-linked; plus strand). Cytogenetic location: Xp11.4.
Variant type: single nucleotide variant.
Coding change: c.45+9C>G on transcript NM_001356.5 (MANE Select); 9 bases into the intron after coding-DNA position 45, C replaced by G.
Molecular consequence: intron variant.
Genome position (GRCh38, 1-based): chrX:41,334,306, C>G. VCF-style: chrX-41334306-C-G. GRCh37 (hg19) VCF-style: chrX-41193559-C-G.
Other names: c.45+9C>G (NM_001193416.3, NM_001193417.3); c.-1859+9C>G (NM_001363819.1).
Identifiers: ClinVar variation 2995047 (VCV002995047.6), dbSNP rs757943965, ClinGen allele CA10389285.

ClinVar aggregate classification (germline): Likely benign. Review status: criteria provided, multiple submitters, no conflicts (2 of 4 stars). 3 submissions from 3 submitters: Likely benign (3). Last evaluated 2024-03-12.

Allele frequency attached by ClinVar (database versions not stated): ExAC 0.00001; gnomAD exomes 0.00001; TOPMed 0.00001.
gnomAD v4.1: 15 of 1,210,452 alleles (0.0012%); highest among the groups gnomAD compares: Non-Finnish European, 0.0016%; no homozygotes.

Submissions (3):

Women's Health and Genetics/Laboratory Corporation of America, LabCorp
Classification: Likely benign. Last evaluated: 2024-03-12. Review status: criteria provided, single submitter. Criteria: LabCorp Variant Classification Summary - May 2015. Collection method: clinical testing. Allele origin: germline.
Comment: Variant summary: DDX3X c.45+9C>G alters a non-conserved nucleotide located at a position not widely known to affect splicing. Consensus agreement among computation tools predict no significant impact on normal splicing. However, these predictions have yet to be confirmed by functional studies. The variant allele was found at a frequency of 1.1e-05 in 176403 control chromosomes (gnomAD). The available data on variant occurrences in the general population are insufficient to allow any conclusion about variant significance. To our knowledge, no occurrence of c.45+9C>G in individuals affected with X-Linked Intellectual Disability 102 and no experimental evidence demonstrating its impact on protein function have been reported. ClinVar contains an entry for this variant (Variation ID: 2995047). Based on the evidence outlined above, the variant was classified as likely benign.

Labcorp Genetics (formerly Invitae), Labcorp
Classification: Likely benign. Last evaluated: 2023-08-08. Review status: criteria provided, single submitter. Criteria: Invitae Variant Classification Sherloc (09022015). Collection method: clinical testing. Allele origin: germline.

Blueprint Genetics
Classification: Likely benign. Last evaluated: 2022-04-27. Review status: criteria provided, single submitter. Criteria: ACMG Guidelines, 2015. Collection method: clinical testing. Allele origin: germline.